The following is an entry in ClinVar:

ClinVar aggregate classification (germline): Pathogenic (1 of 4 stars; one submission).

Conditions:
Walker-Warburg congenital muscular dystrophy. Also called: Muscular dystrophy-dystroglycanopathy, type A; Walker-Warburg syndrome. Identifiers: Orphanet 899, MedGen C0265221, MONDO:0000171.

Submission:

Labcorp Genetics (formerly Invitae), Labcorp
Classification: Pathogenic for Walker-Warburg congenital muscular dystrophy. Last evaluated: 2023-05-02. Review status: criteria provided, single submitter. Criteria: Invitae Variant Classification Sherloc (09022015). Collection method: clinical testing. Allele origin: germline.
Comment: This variant disrupts a region of the FKRP protein in which other variant(s) (p.Ile478Thr) have been determined to be pathogenic (PMID: 16476814, 18639457, 19299310). This suggests that this is a clinically significant region of the protein, and that variants that disrupt it are likely to be disease-causing. For these reasons, this variant has been classified as Pathogenic. This variant has not been reported in the literature in individuals affected with FKRP-related conditions. This variant is not present in population databases (gnomAD no frequency). This sequence change creates a premature translational stop signal (p.Trp286*) in the FKRP gene. While this is not anticipated to result in nonsense mediated decay, it is expected to disrupt the last 210 amino acid(s) of the FKRP protein.

Literature cited by the submitters: PubMed 16476814; PubMed 18639457; PubMed 19299310.

NM_024301.5(FKRP):c.857G>A (p.Trp286Ter)

Gene: FKRP (fukutin related protein; plus strand). Cytogenetic location: 19q13.32.
Variant type: single nucleotide variant.
Coding change: c.857G>A on transcript NM_024301.5 (MANE Select); coding-DNA position 857, G replaced by A.
Protein change: p.Trp286Ter; replaces tryptophan 286 with a stop codon.
Molecular consequence: nonsense.
Genome position (GRCh38, 1-based): chr19:46,756,307, G>A. VCF-style: chr19-46756307-G-A. GRCh37 (hg19) VCF-style: chr19-47259564-G-A.
Other names: c.857G>A, p.Trp286Ter (NM_001039885.3); short protein forms W286*.
Identifiers: ClinVar variation 2861669 (VCV002861669.3), dbSNP rs2513993243, ClinGen allele CA406496151.